The following is an entry in ClinVar:

ClinVar aggregate classification (germline): Uncertain significance (1 of 4 stars; one submission).

Conditions:
Blau syndrome (BLAUS). Also called: ARTHROCUTANEOUVEAL GRANULOMATOSIS; GRANULOMATOSIS, FAMILIAL JUVENILE SYSTEMIC; GRANULOMATOSIS, FAMILIAL, BLAU TYPE; GRANULOMATOUS INFLAMMATORY ARTHRITIS, DERMATITIS, AND UVEITIS, FAMILIAL; JABS SYNDROME. Identifiers: Orphanet 90340, MedGen C5201146, MONDO:0008523, OMIM 186580.
Regional enteritis. Also called: Enteritis, Granulomatous. Identifiers: MedGen C0678202, MeSH D003424.

Submission:

Labcorp Genetics (formerly Invitae), Labcorp
Classification: Uncertain significance for Regional enteritis; Blau syndrome. Last evaluated: 2022-07-30. Review status: criteria provided, single submitter. Criteria: Invitae Variant Classification Sherloc (09022015). Collection method: clinical testing. Allele origin: germline.
Comment: This sequence change replaces glutamic acid, which is acidic and polar, with aspartic acid, which is acidic and polar, at codon 748 of the NOD2 protein (p.Glu748Asp). This variant is present in population databases (no rsID available, gnomAD 0.0009%). This variant has not been reported in the literature in individuals affected with NOD2-related conditions. Algorithms developed to predict the effect of missense changes on protein structure and function are either unavailable or do not agree on the potential impact of this missense change (SIFT: "Deleterious"; PolyPhen-2: "Probably Damaging"; Align-GVGD: "Class C0"). In summary, the available evidence is currently insufficient to determine the role of this variant in disease. Therefore, it has been classified as a Variant of Uncertain Significance.

NM_001370466.1(NOD2):c.2163G>C (p.Glu721Asp)

Gene: NOD2 (nucleotide binding oligomerization domain containing 2; plus strand). Cytogenetic location: 16q12.1.
Variant type: single nucleotide variant.
Coding change: c.2163G>C on transcript NM_001370466.1 (MANE Select); coding-DNA position 2163, G replaced by C.
Protein change: p.Glu721Asp; replaces glutamic acid 721 with aspartic acid.
Molecular consequence: missense variant. On other transcripts: non-coding transcript variant (1).
Genome position (GRCh38, 1-based): chr16:50,712,155, G>C. VCF-style: chr16-50712155-G-C. GRCh37 (hg19) VCF-style: chr16-50746066-G-C.
Other names: c.2163G>C, p.Glu721Asp (NM_001293557.2); c.2244G>C, p.Glu748Asp (NM_022162.3); short protein forms E721D, E748D.
Identifiers: ClinVar variation 2003783 (VCV002003783.4), dbSNP rs781083084, ClinGen allele CA281264176.